The following is an entry in ClinVar:

NM_015272.5(RPGRIP1L):c.2090A>G (p.Gln697Arg)

Gene: RPGRIP1L (RPGRIP1 like; minus strand). Cytogenetic location: 16q12.2.
Variant type: single nucleotide variant.
Coding change: c.2090A>G on transcript NM_015272.5 (MANE Select); coding-DNA position 2090, A replaced by G.
Protein change: p.Gln697Arg; replaces glutamine 697 with arginine.
Molecular consequence: missense variant.
Genome position (GRCh38, 1-based): chr16:53,652,597, T>C on the plus strand (A>G on the coding strand, the complement: RPGRIP1L is on the minus strand). VCF-style: chr16-53652597-T-C. GRCh37 (hg19) VCF-style: chr16-53686509-T-C.
Other names: c.2090A>G, p.Gln697Arg (NM_001127897.4, NM_001308334.3, NM_001330538.2); c.2090A>G (NM_015272.4); short protein forms Q697R.
Identifiers: ClinVar variation 938021 (VCV000938021.6), dbSNP rs1396387199, ClinGen allele CA395916668.

ClinVar aggregate classification (germline): Uncertain significance. Review status: criteria provided, multiple submitters, no conflicts (2 of 4 stars). 3 submissions from 3 submitters: Uncertain significance (3). Last evaluated 2025-12-02.

Conditions:
Inborn genetic diseases. Identifiers: MedGen C0950123, MeSH D030342.
Meckel-Gruber syndrome. Also called: DYSENCEPHALIA SPLANCHNOCYSTICA; Dysencephalia splachnocystica; GRUBER SYNDROME. Identifiers: Orphanet 564, MedGen C0265215, MONDO:0018921.
Joubert syndrome. Also called: Familial aplasia of the vermis; JOUBERT-BOLTSHAUSER SYNDROME. Identifiers: Orphanet 475, MedGen C5979921, MONDO:0018772.
RPGRIP1L-related disorder. Also called: RPGRIP1L-related disorders; RPGRIP1L-related condition. Identifiers: MedGen CN239416.

Allele frequency attached by ClinVar (database versions not stated): gnomAD below 0.00001 and 0.00001; gnomAD exomes below 0.00001.
gnomAD v4.1: 3 of 1,614,048 alleles (0.00019%); highest among the groups gnomAD compares: South Asian, 0.0033%; no homozygotes.

Submissions (3):

PreventionGenetics, part of Exact Sciences
Classification: Uncertain significance for RPGRIP1L-related condition. Last evaluated: 2025-12-02. Review status: criteria provided, single submitter. Criteria: ACMG Guidelines, 2015. Collection method: clinical testing. Allele origin: germline.
Comment: The RPGRIP1L c.2090A>G variant is predicted to result in the amino acid substitution p.Gln697Arg. To our knowledge, this variant has not been reported in the literature. This variant is reported in 0.0033% of alleles in individuals of South Asian descent in gnomAD. At this time, the clinical significance of this variant is uncertain due to the absence of conclusive functional and genetic evidence.

Ambry Genetics
Classification: Uncertain significance for Inborn genetic diseases. Last evaluated: 2024-01-31. Review status: criteria provided, single submitter. Criteria: Ambry Variant Classification Scheme 2023. Collection method: clinical testing. Allele origin: germline.

Labcorp Genetics (formerly Invitae), Labcorp
Classification: Uncertain significance for Joubert syndrome; Meckel-Gruber syndrome. Last evaluated: 2022-08-10. Review status: criteria provided, single submitter. Criteria: Invitae Variant Classification Sherloc (09022015). Collection method: clinical testing. Allele origin: germline.
Comment: This sequence change replaces glutamine, which is neutral and polar, with arginine, which is basic and polar, at codon 697 of the RPGRIP1L protein (p.Gln697Arg). This variant is present in population databases (no rsID available, gnomAD 0.003%). This variant has not been reported in the literature in individuals affected with RPGRIP1L-related conditions. ClinVar contains an entry for this variant (Variation ID: 938021). Algorithms developed to predict the effect of missense changes on protein structure and function are either unavailable or do not agree on the potential impact of this missense change (SIFT: "Tolerated"; PolyPhen-2: "Probably Damaging"; Align-GVGD: "Class C0"). In summary, the available evidence is currently insufficient to determine the role of this variant in disease. Therefore, it has been classified as a Variant of Uncertain Significance.